The following is an entry in ClinVar:

NM_003119.4(SPG7):c.1201G>A (p.Ala401Thr)

Gene: SPG7 (SPG7 matrix AAA peptidase subunit, paraplegin; plus strand). Cytogenetic location: 16q24.3.
Variant type: single nucleotide variant.
Coding change: c.1201G>A on transcript NM_003119.4 (MANE Select); coding-DNA position 1201, G replaced by A.
Protein change: p.Ala401Thr; replaces alanine 401 with threonine.
Molecular consequence: missense variant.
Genome position (GRCh38, 1-based): chr16:89,532,513, G>A. VCF-style: chr16-89532513-G-A. GRCh37 (hg19) VCF-style: chr16-89598921-G-A.
Other names: c.1201G>A, p.Ala401Thr (NM_001363850.1, NM_199367.3); short protein forms A401T.
Identifiers: ClinVar variation 1429908 (VCV001429908.6), dbSNP rs776587961, ClinGen allele CA8243990.
Genomic context (GRCh38, chr16:89,532,513, plus strand): 5'-GTCCCCTCAGGCCTCGGCGCTGCCCGTGTGCGGAGCCTCTTTAAGGAAGCCCGAGCCCGG[G>A]CCCCCTGCATCGTCTACATCGATGAGATCGACGCGGTGGGCAAGAAGCGCTCCACCACCA-3'
Protein context (NP_003110.1, residues 391-411): RSLFKEARAR[Ala401Thr]PCIVYIDEID

ClinVar aggregate classification (germline): Uncertain significance (1 of 4 stars; one submission).

Conditions:
Hereditary spastic paraplegia 7 (SPG7). Also called: Autosomal recessive spastic paraplegia type 7; SPG7-related neurologic disorder; SPASTIC PARAPLEGIA 7, AUTOSOMAL RECESSIVE, WITH OR WITHOUT CEREBELLAR ATAXIA; Spastic paraplegia 7; Hereditary spastic paraplegia Paraplegin type. Identifiers: Orphanet 99013, MedGen C1846564, MONDO:0011803, OMIM 607259.

Allele frequency attached by ClinVar (database versions not stated): gnomAD exomes 0.00002; ExAC 0.00004.
gnomAD v4.1: 15 of 1,613,664 alleles (0.00093%); highest among the groups gnomAD compares: South Asian, 0.015%; no homozygotes.

Submission:

Labcorp Genetics (formerly Invitae), Labcorp
Classification: Uncertain significance for Hereditary spastic paraplegia 7. Last evaluated: 2021-09-22. Review status: criteria provided, single submitter. Criteria: Invitae Variant Classification Sherloc (09022015). Collection method: clinical testing. Allele origin: germline.
Comment: This sequence change replaces alanine with threonine at codon 401 of the SPG7 protein (p.Ala401Thr). The alanine residue is highly conserved and there is a small physicochemical difference between alanine and threonine. This variant is present in population databases (rs776587961, ExAC 0.03%). This variant has not been reported in the literature in individuals affected with SPG7-related conditions. Advanced modeling of protein sequence and biophysical properties (such as structural, functional, and spatial information, amino acid conservation, physicochemical variation, residue mobility, and thermodynamic stability) performed at Invitae indicates that this missense variant is expected to disrupt SPG7 protein function. In summary, the available evidence is currently insufficient to determine the role of this variant in disease. Therefore, it has been classified as a Variant of Uncertain Significance.